The following is an entry in ClinVar:

NM_023037.3(FRY):c.3740G>A (p.Gly1247Glu)

Gene: FRY (FRY microtubule binding protein; plus strand). Cytogenetic location: 13q13.1.
Variant type: single nucleotide variant.
Coding change: c.3740G>A on transcript NM_023037.3 (MANE Select); coding-DNA position 3740, G replaced by A.
Protein change: p.Gly1247Glu; replaces glycine 1247 with glutamic acid.
Molecular consequence: missense variant.
Genome position (GRCh38, 1-based): chr13:32,194,291, G>A. VCF-style: chr13-32194291-G-A. GRCh37 (hg19) VCF-style: chr13-32768428-G-A.
Other names: short protein forms G1247E.
Identifiers: ClinVar variation 712595 (VCV000712595.29), dbSNP rs41292163, ClinGen allele CA6938698.

ClinVar aggregate classification (germline): Benign/Likely benign. Review status: criteria provided, multiple submitters, no conflicts (2 of 4 stars). 3 submissions from 3 submitters: Benign (2); Likely benign (1). Last evaluated 2025-02-01.

Allele frequency attached by ClinVar (database versions not stated): TOPMed 0.00420; ESP Exome Variant Server 0.00429; ExAC 0.00490; gnomAD exomes 0.00501 and 0.00574; gnomAD 0.00503 and 0.00544; 1000 Genomes Project 30x 0.00109; 1000 Genomes Project 0.00120.
gnomAD v4.1: 9,162 of 1,614,132 alleles (0.57%); highest among the groups gnomAD compares: Non-Finnish European, 0.63%; 41 homozygotes.

Submissions (3):

CeGaT Center for Human Genetics Tuebingen
Classification: Likely benign. Last evaluated: 2025-02-01. Review status: criteria provided, single submitter. Criteria: CeGaT Center For Human Genetics Tuebingen Variant Classification Criteria Version 2. Collection method: clinical testing. Allele origin: germline. Affected: yes. Observed: 5 variant alleles.
Comment: FRY: BS2

Labcorp Genetics (formerly Invitae), Labcorp
Classification: Benign. Last evaluated: 2019-12-31. Review status: criteria provided, single submitter. Criteria: Invitae Variant Classification Sherloc (09022015). Collection method: clinical testing. Allele origin: germline.

Breakthrough Genomics
Classification: Benign. Review status: criteria provided, single submitter. Criteria: ACMG Guidelines, 2015. Collection method: not provided. Allele origin: germline. Inheritance: Unknown mechanism. Affected: yes.